The following is an entry in ClinVar:

NM_199242.3(UNC13D):c.780G>C (p.Trp260Cys)

Gene: UNC13D (unc-13 homolog D; minus strand). Cytogenetic location: 17q25.1.
Variant type: single nucleotide variant.
Coding change: c.780G>C on transcript NM_199242.3 (MANE Select); coding-DNA position 780, G replaced by C.
Protein change: p.Trp260Cys; replaces tryptophan 260 with cysteine.
Molecular consequence: missense variant.
Genome position (GRCh38, 1-based): chr17:75,840,303, C>G on the plus strand (G>C on the coding strand, the complement: UNC13D is on the minus strand). VCF-style: chr17-75840303-C-G. GRCh37 (hg19) VCF-style: chr17-73836384-C-G.
Other names: short protein forms W260C.
Identifiers: ClinVar variation 1405562 (VCV001405562.5), dbSNP rs769371398, ClinGen allele CA294089407.
Genomic context (GRCh38, chr17:75,840,303, plus strand): 5'-GAACTGGAGGTGGCACTGGCCTCGGTCTGGGTAGGTCTCAGTGCGGGGTTCCAGGGGGTA[C>G]CACTGGTCCTCTCGGCAGCGCAGGTCCTGACAGGCGGGGATGCCCAGCCCGTGAGCGTCA-3'
Protein context (NP_954712.1, residues 250-270): LQDLRCREDQ[Trp260Cys]YPLEPRTETY

ClinVar aggregate classification (germline): Uncertain significance (1 of 4 stars; one submission).

Conditions:
Familial hemophagocytic lymphohistiocytosis 3 (FHL3). Also called: UNC13D-Related Familial Hemophagocytic Lymphohistiocytosis (UNC13D-fHLH). Identifiers: Orphanet 540, MedGen C1837174, MONDO:0012146, OMIM 608898.

Submission:

Labcorp Genetics (formerly Invitae), Labcorp
Classification: Uncertain significance for Familial hemophagocytic lymphohistiocytosis 3. Last evaluated: 2021-09-24. Review status: criteria provided, single submitter. Criteria: Invitae Variant Classification Sherloc (09022015). Collection method: clinical testing. Allele origin: germline.
Comment: This sequence change replaces tryptophan with cysteine at codon 260 of the UNC13D protein (p.Trp260Cys). The tryptophan residue is highly conserved and there is a large physicochemical difference between tryptophan and cysteine. This variant is not present in population databases (ExAC no frequency). This variant has not been reported in the literature in individuals with UNC13D-related conditions. Algorithms developed to predict the effect of missense changes on protein structure and function are either unavailable or do not agree on the potential impact of this missense change (SIFT: "Not Available"; PolyPhen-2: "Probably Damaging"; Align-GVGD: "Not Available"). In summary, the available evidence is currently insufficient to determine the role of this variant in disease. Therefore, it has been classified as a Variant of Uncertain Significance.